The following is an entry in ClinVar:

ClinVar aggregate classification (germline): Likely benign. Review status: criteria provided, multiple submitters, no conflicts (2 of 4 stars). 3 submissions from 3 submitters: Likely benign (3). Last evaluated 2025-06-01.

Conditions:
CACNA1F-related disorder. Also called: CACNA1F-related condition.

Submissions (3):

Labcorp Genetics (formerly Invitae), Labcorp
Classification: Likely benign. Last evaluated: 2025-06-01. Review status: criteria provided, single submitter. Criteria: Invitae Variant Classification Sherloc (09022015). Collection method: clinical testing. Allele origin: germline.

PreventionGenetics, part of Exact Sciences
Classification: Likely benign for CACNA1F-related condition. Last evaluated: 2025-03-12. Review status: criteria provided, single submitter. Criteria: ACMG Guidelines, 2015. Collection method: clinical testing. Allele origin: germline.
Comment: This variant is classified as likely benign based on ACMG/AMP sequence variant interpretation guidelines (Richards et al. 2015 PMID: 25741868, with internal and published modifications).

Blueprint Genetics
Classification: Likely benign. Last evaluated: 2024-02-27. Review status: criteria provided, single submitter. Criteria: ACMG Guidelines, 2015. Collection method: clinical testing. Allele origin: germline.

NM_001256789.3(CACNA1F):c.5017G>C (p.Gly1673Arg)

Gene: CACNA1F (calcium voltage-gated channel subunit alpha1 F; minus strand). Cytogenetic location: Xp11.23.
Variant type: single nucleotide variant.
Coding change: c.5017G>C on transcript NM_001256789.3 (MANE Select); coding-DNA position 5017, G replaced by C.
Protein change: p.Gly1673Arg; replaces glycine 1673 with arginine.
Molecular consequence: missense variant.
Genome position (GRCh38, 1-based): chrX:49,208,621, C>G on the plus strand (G>C on the coding strand, the complement: CACNA1F is on the minus strand). VCF-style: chrX-49208621-C-G. GRCh37 (hg19) VCF-style: chrX-49065081-C-G.
Other names: c.5050G>C (NM_005183.3); c.4855G>C, p.Gly1619Arg (NM_001256790.3); c.5050G>C, p.Gly1684Arg (NM_005183.4); short protein forms G1619R, G1673R, G1684R.
Identifiers: ClinVar variation 1103336 (VCV001103336.11), dbSNP rs139409733, ClinGen allele CA10410052.